The following is an entry in ClinVar:

ClinVar aggregate classification (germline): Pathogenic (1 of 4 stars; one submission).

Submission:

CeGaT Center for Human Genetics Tuebingen
Classification: Pathogenic. Last evaluated: 2026-08-01. Review status: criteria provided, single submitter. Criteria: CeGaT Center For Human Genetics Tuebingen Variant Classification Criteria Version 2. Collection method: clinical testing. Allele origin: germline. Affected: yes. Observed: 1 variant allele.
Comment: TET2: PVS1, PM2

NM_001127208.3(TET2):c.651del (p.Val218fs)

Genes: TET2 (tet methylcytosine dioxygenase 2; plus strand), TET2-AS1 (TET2 antisense RNA 1; minus strand). Cytogenetic location: 4q24.
Variant type: Deletion.
Coding change: c.651del on transcript NM_001127208.3 (MANE Select); coding-DNA position 651, one base deleted (C; older notation c.651delC).
Protein change: p.Val218fs; shifts the reading frame from valine 218.
Molecular consequence: frameshift variant.
Genome position (GRCh38, 1-based): chr4:105,234,593, C deleted; the last of 2 consecutive C bases (chr4:105,234,592-105,234,593); deleting either gives the same sequence. VCF-style (leftmost placement, unchanged base first): chr4-105234591-TC-T. GRCh37 (hg19) VCF-style: chr4-106155748-TC-T.
Other names: c.651del, p.Val218fs (NM_017628.4); short protein forms V218fs.
Identifiers: ClinVar variation 5040715 (VCV005040715.1).
Genomic context (GRCh38, chr4:105,234,591, plus strand): 5'-ATTGTATTACTTAAAAACAAGGCAGTGCTAATGCCTAATGGTGCTACAGTTTCTGCCTCT[TC>T]CGTGGAACACACACATGGTGAACTCCTGGAAAAAACACTGTCTCAATATTATCCAGATTG-3'